The following is an entry in ClinVar:

NM_144670.6(A2ML1):c.3646G>C (p.Ala1216Pro)

Gene: A2ML1 (alpha-2-macroglobulin like 1; plus strand). Cytogenetic location: 12p13.31.
Variant type: single nucleotide variant.
Coding change: c.3646G>C on transcript NM_144670.6 (MANE Select); coding-DNA position 3646, G replaced by C.
Protein change: p.Ala1216Pro; replaces alanine 1216 with proline.
Molecular consequence: missense variant.
Genome position (GRCh38, 1-based): chr12:8,863,937, G>C. VCF-style: chr12-8863937-G-C. GRCh37 (hg19) VCF-style: chr12-9016533-G-C.
Other names: c.2173G>C, p.Ala725Pro (NM_001282424.3); short protein forms A1216P, A725P.
Identifiers: ClinVar variation 1516422 (VCV001516422.8), dbSNP rs1019595713, ClinGen allele CA232702007.
Genomic context (GRCh38, chr12:8,863,937, plus strand): 5'-CTCACAGCATATGCATTGTTGGCCCAGCTTACCAAGCCCAGCCTGACTCAAAAGGAGATA[G>C]CGAAGGCCACTAGCATAGTGGCTTGGTTGGCCAAGCAACACAATGCATATGGGGGCTTCT-3'
Protein context (NP_653271.3, residues 1206-1226): TKPSLTQKEI[Ala1216Pro]KATSIVAWLA

ClinVar aggregate classification (germline): Uncertain significance (1 of 4 stars; one submission).

Allele frequency attached by ClinVar (database versions not stated): gnomAD 0.00001.
gnomAD v4.1: 1 of 1,613,896 alleles (0.000062%); highest among the groups gnomAD compares: East Asian, 0.0022%; no homozygotes.

Submission:

Labcorp Genetics (formerly Invitae), Labcorp
Classification: Uncertain significance. Last evaluated: 2025-05-18. Review status: criteria provided, single submitter. Criteria: Invitae Variant Classification Sherloc (09022015). Collection method: clinical testing. Allele origin: germline.
Comment: This sequence change replaces alanine, which is neutral and non-polar, with proline, which is neutral and non-polar, at codon 1216 of the A2ML1 protein (p.Ala1216Pro). This variant is not present in population databases (gnomAD no frequency). This variant has not been reported in the literature in individuals affected with A2ML1-related conditions. ClinVar contains an entry for this variant (Variation ID: 1516422). An algorithm developed to predict the effect of missense changes on protein structure and function (PolyPhen-2) suggests that this variant is likely to be disruptive. In summary, the available evidence is currently insufficient to determine the role of this variant in disease. Therefore, it has been classified as a Variant of Uncertain Significance.